The following is an entry in ClinVar:

NM_001282493.2(GOLGA8K):c.291G>A (p.Lys97=)

Gene: GOLGA8K (golgin A8 family member K). Cytogenetic location: 15q13.3.
Variant type: single nucleotide variant.
Coding change: c.291G>A on transcript NM_001282493.2 (MANE Select); coding-DNA position 291, G replaced by A.
Protein change: p.Lys97=; no amino-acid change (lysine 97 retained).
Molecular consequence: synonymous variant.
Genome position (GRCh38, 1-based): chr15:32,400,158, C>T on the plus strand (G>A on the coding strand, the complement: GOLGA8K is on the minus strand). VCF-style: chr15-32400158-C-T. GRCh37 (hg19) VCF-style: chr15-32692359-C-T.
Identifiers: ClinVar variation 2645124 (VCV002645124.24), dbSNP rs201510104, ClinGen allele CA268700780.

ClinVar aggregate classification (germline): Likely benign (1 of 4 stars; one submission).

Allele frequency attached by ClinVar (database versions not stated): gnomAD exomes 0.00417.

Submission:

CeGaT Center for Human Genetics Tuebingen
Classification: Likely benign. Last evaluated: 2024-07-01. Review status: criteria provided, single submitter. Criteria: CeGaT Center For Human Genetics Tuebingen Variant Classification Criteria Version 2. Collection method: clinical testing. Allele origin: germline. Affected: yes. Observed: 2 variant alleles.
Comment: GOLGA8K: BP4, BP7, BS2